The following is an entry in ClinVar:

ClinVar aggregate classification (germline): Uncertain significance. Review status: criteria provided, multiple submitters, no conflicts (2 of 4 stars). 8 submissions from 8 submitters: Uncertain significance (7). 1 of the submissions does not count toward it. Last evaluated 2026-06-01.

Conditions:
HTRA1-related disorder. Also called: HTRA1-related condition.
Cerebral arteriopathy, autosomal recessive, with subcortical infarcts and leukoencephalopathy 2. Also called: CEREBROVASCULAR DISEASE WITH THIN SKIN, ALOPECIA, AND DISC DISEASE; SUBCORTICAL VASCULAR ENCEPHALOPATHY, PROGRESSIVE; Cerebral autosomal recessive arteriopathy with subcortical infarcts and leukoencephalopathy; CARASIL syndrome; MAEDA SYNDROME. Identifiers: Orphanet 199354, MedGen C6022615, MONDO:0010829, OMIM 600142.
Cerebral arteriopathy, autosomal dominant, with subcortical infarcts and leukoencephalopathy, type 2 (CADASIL2). Identifiers: MedGen C4225211, MONDO:0014768, OMIM 616779.
Macular degeneration. Also called: Degenerative disorder of macula. Identifiers: MedGen C0024437, MONDO:0003004, HP:0000608.

Allele frequency attached by ClinVar (database versions not stated): gnomAD exomes 0.00017; TOPMed 0.00017; ExAC 0.00019; gnomAD 0.00019.
gnomAD v4.1: 507 of 1,533,602 alleles (0.033%); highest among the groups gnomAD compares: Non-Finnish European, 0.041%; 1 homozygote.

Submissions (8):

CeGaT Center for Human Genetics Tuebingen
Classification: Uncertain significance. Last evaluated: 2026-06-01. Review status: criteria provided, single submitter. Criteria: CeGaT Center For Human Genetics Tuebingen Variant Classification Criteria Version 2. Collection method: clinical testing. Allele origin: germline. Affected: yes. Observed: 3 variant alleles.
Comment: HTRA1: PM2:Supporting, PS3:Supporting

Labcorp Genetics (formerly Invitae), Labcorp
Classification: Uncertain significance. Last evaluated: 2025-07-31. Review status: criteria provided, single submitter. Criteria: Invitae Variant Classification Sherloc (09022015). Collection method: clinical testing. Allele origin: germline.
Comment: This sequence change replaces glutamine, which is neutral and polar, with lysine, which is basic and polar, at codon 151 of the HTRA1 protein (p.Gln151Lys). This variant is present in population databases (rs754645487, gnomAD 0.04%). This missense change has been observed in individual(s) with autosomal dominant CADASIL (PMID: 28782182). ClinVar contains an entry for this variant (Variation ID: 871447). Invitae Evidence Modeling of protein sequence and biophysical properties (such as structural, functional, and spatial information, amino acid conservation, physicochemical variation, residue mobility, and thermodynamic stability) indicates that this missense variant is not expected to disrupt HTRA1 protein function with a negative predictive value of 95%. Studies have shown that this missense change alters HTRA1 gene expression (PMID: 32017060). In summary, the available evidence is currently insufficient to determine the role of this variant in disease. Therefore, it has been classified as a Variant of Uncertain Significance.

Women's Health and Genetics/Laboratory Corporation of America, LabCorp
Classification: Uncertain significance. Last evaluated: 2025-06-30. Review status: criteria provided, single submitter. Criteria: LabCorp Variant Classification Summary - May 2015. Collection method: clinical testing. Allele origin: germline.
Comment: Variant summary: HTRA1 c.451C>A (p.Gln151Lys) results in a conservative amino acid change in the encoded protein sequence. Algorithms developed to predict the effect of missense changes on protein structure and function are either unavailable or do not agree on the potential impact of this missense change. The variant allele was found at a frequency of 0.00017 in 127636 control chromosomes. This frequency is not significantly higher than estimated for a pathogenic variant in HTRA1 causing CARASIL syndrome, allowing no conclusion about variant significance. c.451C>A has been observed in individual(s) affected with HTRA1-related conditions (Di Donato_2017, Dilliott_2023). These data do not allow any conclusion about variant significance. One publication reports experimental evidence evaluating an impact on protein function, however, does not allow convincing conclusions about the variant effect (Fasano_2020). The following publications have been ascertained in the context of this evaluation (PMID: 28782182, 37272523, 32017060). ClinVar contains an entry for this variant (Variation ID: 871447). Based on the evidence outlined above, the variant was classified as uncertain significance.

Blueprint Genetics
Classification: Uncertain significance. Last evaluated: 2024-04-15. Review status: criteria provided, single submitter. Criteria: ACMG Guidelines, 2015. Collection method: clinical testing. Allele origin: germline.

Mayo Clinic Laboratories, Mayo Clinic
Classification: Uncertain significance. Last evaluated: 2024-01-19. Review status: criteria provided, single submitter. Criteria: ACMG Guidelines, 2015. Collection method: clinical testing. Allele origin: germline. Observed: 1 variant allele.
Comment: BP4

Department of Pathology and Laboratory Medicine, Sinai Health System
Classification: Uncertain significance for Cerebral arteriopathy, autosomal dominant, with subcortical infarcts and leukoencephalopathy, type 2; Cerebral arteriopathy, autosomal recessive, with subcortical infarcts and leukoencephalopathy 2. Last evaluated: 2022-11-15. Review status: criteria provided, single submitter. Criteria: ACMG Guidelines, 2015. Collection method: research. Allele origin: germline.

Illumina Laboratory Services, Illumina
Classification: Uncertain significance for Macular degeneration. Last evaluated: 2018-03-19. Review status: criteria provided, single submitter. Criteria: ICSL Variant Classification Criteria 13 December 2019. Collection method: clinical testing. Allele origin: germline.

PreventionGenetics, part of Exact Sciences
Classification: Uncertain significance for HTRA1-related condition. Last evaluated: 2024-06-18. Review status: no assertion criteria provided. Collection method: clinical testing. Allele origin: germline. Not counted in ClinVar's aggregate classification.
Comment: The HTRA1 c.451C>A variant is predicted to result in the amino acid substitution p.Gln151Lys. This variant has been reported in the heterozygous state in a patient with familial cerebral small vessel disease; however, pathogenicity was not established with segregation or functional analysis (Di Donato et al 2017. PubMed ID: 28782182; Pati et al. 2018. PubMed ID: 29546604). In this study, the c.451C>A variant was found in 8 control individuals of unknown age and varying disease phenotypes from the BRIDGE study. This variant is reported in 0.036% of alleles in individuals of South Asian descent in gnomAD. At this time, the clinical significance of this variant is uncertain due to the absence of conclusive functional and genetic evidence.

Literature cited by the submitters: PubMed 28782182 (cited by 3 submitters); PubMed 32017060 (cited by 3 submitters); PubMed 37272523 (cited by Women's Health and Genetics/Laboratory Corporation of America, LabCorp); PubMed 29546604 (cited by Mayo Clinic Laboratories, Mayo Clinic); PubMed 32719647 (cited by Mayo Clinic Laboratories, Mayo Clinic); PubMed 34220097 (cited by Mayo Clinic Laboratories, Mayo Clinic); PubMed 34626176 (cited by Mayo Clinic Laboratories, Mayo Clinic); PubMed 35946346 (cited by Mayo Clinic Laboratories, Mayo Clinic); PubMed 36253578 (cited by Mayo Clinic Laboratories, Mayo Clinic).

NM_002775.5(HTRA1):c.451C>A (p.Gln151Lys)

Gene: HTRA1 (HtrA serine peptidase 1; plus strand). Cytogenetic location: 10q26.13.
Variant type: single nucleotide variant.
Coding change: c.451C>A on transcript NM_002775.5 (MANE Select); coding-DNA position 451, C replaced by A.
Protein change: p.Gln151Lys; replaces glutamine 151 with lysine.
Molecular consequence: missense variant.
Genome position (GRCh38, 1-based): chr10:122,462,103, C>A. VCF-style: chr10-122462103-C-A. GRCh37 (hg19) VCF-style: chr10-124221619-C-A.
Other names: p.Gln151Lys; short protein forms Q151K.
Identifiers: ClinVar variation 871447 (VCV000871447.54), dbSNP rs754645487, ClinGen allele CA5725811.